The following is an entry in ClinVar:

NM_001098484.3(SLC4A4):c.3188C>T (p.Pro1063Leu)

Gene: SLC4A4 (solute carrier family 4 member 4; plus strand). Cytogenetic location: 4q13.3.
Variant type: single nucleotide variant.
Coding change: c.3188C>T on transcript NM_001098484.3 (MANE Select); coding-DNA position 3188, C replaced by T.
Protein change: p.Pro1063Leu; replaces proline 1063 with leucine.
Molecular consequence: missense variant. On other transcripts: intron variant (1).
Genome position (GRCh38, 1-based): chr4:71,563,881, C>T. VCF-style: chr4-71563881-C-T. GRCh37 (hg19) VCF-style: chr4-72429598-C-T.
Other names: p.Pro1063Leu; c.3056C>T, p.Pro1019Leu (NM_003759.4); c.3100-3123C>T (NM_001134742.2); c.3056C>T (NM_003759.3); short protein forms P1019L, P1063L.
Identifiers: ClinVar variation 2682861 (VCV002682861.2), dbSNP rs1560626335, ClinGen allele CA357423243.

ClinVar aggregate classification (germline): Uncertain significance. Review status: criteria provided, multiple submitters, no conflicts (2 of 4 stars). 2 submissions from 2 submitters: Uncertain significance (2). Last evaluated 2025-09-25.

Conditions:
Inborn genetic diseases. Identifiers: MedGen C0950123, MeSH D030342.

Allele frequency attached by ClinVar (database versions not stated): TOPMed below 0.00001; gnomAD exomes below 0.00001; gnomAD 0.00001.
gnomAD v4.1: 3 of 1,602,600 alleles (0.00019%); highest among the groups gnomAD compares: Non-Finnish European, 0.00026%; no homozygotes.

Submissions (2):

Ambry Genetics
Classification: Uncertain significance for Inborn genetic diseases. Last evaluated: 2025-09-25. Review status: criteria provided, single submitter. Criteria: Ambry Variant Classification Scheme 2023. Collection method: clinical testing. Allele origin: germline.

Mayo Clinic Laboratories, Mayo Clinic
Classification: Uncertain significance. Last evaluated: 2023-04-28. Review status: criteria provided, single submitter. Criteria: ACMG Guidelines, 2015. Collection method: clinical testing. Allele origin: germline. Observed: 1 variant allele.
Comment: PP2, PM2_supporting